The following is an entry in ClinVar:

ClinVar aggregate classification (germline): Uncertain significance (1 of 4 stars; one submission).

Allele frequency attached by ClinVar (database versions not stated): TOPMed below 0.00001.

Submission:

Ambry Genetics
Classification: Uncertain significance. Last evaluated: 2023-03-15. Review status: criteria provided, single submitter. Criteria: Ambry Variant Classification Scheme 2023. Collection method: clinical testing. Allele origin: germline.
Comment: The p.F591S variant (also known as c.1772T>C), located in coding exon 16 of the RAD54L gene, results from a T to C substitution at nucleotide position 1772. The phenylalanine at codon 591 is replaced by serine, an amino acid with highly dissimilar properties. This amino acid position is conserved. In addition, this alteration is predicted to be deleterious by in silico analysis. Since supporting evidence is limited at this time, the clinical significance of this alteration remains unclear.

NM_003579.4(RAD54L):c.1772T>C (p.Phe591Ser)

Gene: RAD54L (RAD54 like; plus strand). Cytogenetic location: 1p34.1.
Variant type: single nucleotide variant.
Coding change: c.1772T>C on transcript NM_003579.4 (MANE Select); coding-DNA position 1772, T replaced by C.
Protein change: p.Phe591Ser; replaces phenylalanine 591 with serine.
Molecular consequence: missense variant.
Genome position (GRCh38, 1-based): chr1:46,274,620, T>C. VCF-style: chr1-46274620-T-C. GRCh37 (hg19) VCF-style: chr1-46740292-T-C.
Other names: c.1772T>C, p.Phe591Ser (NM_001142548.2); c.1232T>C, p.Phe411Ser (NM_001370766.1); short protein forms F591S, F411S.
Identifiers: ClinVar variation 2562781 (VCV002562781.2), dbSNP rs1660540744, ClinGen allele CA340185688.